The following is an entry in ClinVar:

NM_013335.4(GMPPA):c.495G>A (p.Leu165=)

Genes: ASIC4-AS1 (ASIC4 antisense RNA 1; minus strand), GMPPA (GDP-mannose pyrophosphorylase A; plus strand). Cytogenetic location: 2q35.
Variant type: single nucleotide variant.
Coding change: c.495G>A on transcript NM_013335.4 (MANE Select); coding-DNA position 495, G replaced by A.
Protein change: p.Leu165=; no amino-acid change (leucine 165 retained).
Molecular consequence: synonymous variant.
Genome position (GRCh38, 1-based): chr2:219,504,088, G>A. VCF-style: chr2-219504088-G-A. GRCh37 (hg19) VCF-style: chr2-220368810-G-A.
Other names: c.495G>A, p.Leu165= (NM_001374294.1, NM_001374295.1, NM_205847.3).
Identifiers: ClinVar variation 755531 (VCV000755531.37), dbSNP rs181901772, ClinGen allele CA2128209.

ClinVar aggregate classification (germline): Benign/Likely benign. Review status: criteria provided, multiple submitters, no conflicts (2 of 4 stars). 3 submissions from 3 submitters: Benign (1); Likely benign (2). Last evaluated 2025-06-03.

Conditions:
Alacrima, achalasia, and impaired intellectual development syndrome. Also called: Alacrima, achalasia, and mental retardation syndrome; Alacrima, achalasia, and intellectual disability syndrome. Identifiers: Orphanet 869, MedGen C4706563, MONDO:0014219, OMIM 615510.

Allele frequency attached by ClinVar (database versions not stated): gnomAD 0.00020 and 0.00032; gnomAD exomes 0.00024 and 0.00062; ExAC 0.00068; TOPMed 0.00079; 1000 Genomes Project 0.00180; 1000 Genomes Project 30x 0.00203.
gnomAD v4.1: 394 of 1,614,146 alleles (0.024%); highest among the groups gnomAD compares: East Asian, 0.77%; no homozygotes.

Submissions (3):

Labcorp Genetics (formerly Invitae), Labcorp
Classification: Benign for Alacrima, achalasia, and impaired intellectual development syndrome. Last evaluated: 2025-06-03. Review status: criteria provided, single submitter. Criteria: Invitae Variant Classification Sherloc (09022015). Collection method: clinical testing. Allele origin: germline.

Blueprint Genetics
Classification: Likely benign. Last evaluated: 2024-10-03. Review status: criteria provided, single submitter. Criteria: ACMG Guidelines, 2015. Collection method: clinical testing. Allele origin: germline.

CeGaT Center for Human Genetics Tuebingen
Classification: Likely benign. Last evaluated: 2023-10-01. Review status: criteria provided, single submitter. Criteria: CeGaT Center For Human Genetics Tuebingen Variant Classification Criteria Version 2. Collection method: clinical testing. Allele origin: germline. Affected: yes. Observed: 1 variant allele.
Comment: GMPPA: BP4, BP7